The following is an entry in ClinVar:

NM_000090.4(COL3A1):c.3576C>T (p.Ala1192=)

Gene: COL3A1 (collagen type III alpha 1 chain; plus strand). Cytogenetic location: 2q32.2.
Variant type: single nucleotide variant.
Coding change: c.3576C>T on transcript NM_000090.4 (MANE Select); coding-DNA position 3576, C replaced by T.
Protein change: p.Ala1192=; no amino-acid change (alanine 1192 retained).
Molecular consequence: synonymous variant.
Genome position (GRCh38, 1-based): chr2:189,008,974, C>T. VCF-style: chr2-189008974-C-T. GRCh37 (hg19) VCF-style: chr2-189873700-C-T.
Identifiers: ClinVar variation 333066 (VCV000333066.62), dbSNP rs574331101, ClinGen allele CA076194.

ClinVar aggregate classification (germline): Conflicting classifications of pathogenicity. Review status: criteria provided, conflicting classifications (1 of 4 stars). 10 submissions from 10 submitters: Uncertain significance (1); Likely benign (6). 3 of the submissions do not count toward it. Last evaluated 2025-12-08.

Conditions:
Familial thoracic aortic aneurysm and aortic dissection (TAAD). Also called: Thoracic aortic aneurysms and dissections. Identifiers: Orphanet 91387, MedGen C4707243, MONDO:0019625.
Ehlers-Danlos syndrome, type 4 (EDSVASC). Also called: Ehlers-Danlos Syndrome Type IV; Ehlers-Danlos syndrome vascular type; Ehlers Danlos syndrome, ecchymotic type; Ehlers Danlos syndrome, arterial type; Ehlers Danlos syndrome, Sack-Barabas type. Identifiers: Orphanet 286, MedGen C0268338, MONDO:0017314, OMIM 130050.

Allele frequency attached by ClinVar (database versions not stated): gnomAD exomes below 0.00001 and 0.00002; ExAC 0.00001; TOPMed 0.00002; gnomAD 0.00003.
gnomAD v4.1: 39 of 1,614,008 alleles (0.0024%); highest among the groups gnomAD compares: Non-Finnish European, 0.0031%; 1 homozygote.

Submissions (10):

Labcorp Genetics (formerly Invitae), Labcorp
Classification: Likely benign for Ehlers-Danlos syndrome, type 4. Last evaluated: 2025-12-08. Review status: criteria provided, single submitter. Criteria: Invitae Variant Classification Sherloc (09022015). Collection method: clinical testing. Allele origin: germline.

Women's Health and Genetics/Laboratory Corporation of America, LabCorp
Classification: Likely benign. Last evaluated: 2025-09-14. Review status: criteria provided, single submitter. Criteria: LabCorp Variant Classification Summary - May 2015. Collection method: clinical testing. Allele origin: germline.

All of Us Research Program, National Institutes of Health
Classification: Likely benign for Ehlers-Danlos syndrome, type 4. Last evaluated: 2023-12-01. Review status: criteria provided, single submitter. Criteria: ACMG Guidelines, 2015. Collection method: clinical testing. Allele origin: germline. Inheritance: Autosomal dominant inheritance. Observed: 6 variant alleles, 6 heterozygotes.
Comment: This study involves interpretation of variants in research participants for the purpose of population health screening. Participant phenotype was not available at the time of variant classification. Additional details can be found in publication PMID: 35346344, PMCID: PMC8962531

Ambry Genetics
Classification: Likely benign for Familial thoracic aortic aneurysm and aortic dissection. Last evaluated: 2023-10-08. Review status: criteria provided, single submitter. Criteria: Ambry Variant Classification Scheme 2023. Collection method: clinical testing. Allele origin: germline.

Color Diagnostics, LLC DBA Color Health
Classification: Likely benign for Familial thoracic aortic aneurysm and aortic dissection. Last evaluated: 2022-10-18. Review status: criteria provided, single submitter. Criteria: ACMG Guidelines, 2015. Collection method: clinical testing. Allele origin: germline.

CeGaT Center for Human Genetics Tuebingen
Classification: Likely benign. Last evaluated: 2019-03-01. Review status: criteria provided, single submitter. Criteria: CeGaT Center For Human Genetics Tuebingen Variant Classification Criteria Version 2. Collection method: clinical testing. Allele origin: germline. Affected: yes. Observed: 1 variant allele.

Illumina Laboratory Services, Illumina
Classification: Uncertain significance for Ehlers-Danlos syndrome, type 4. Last evaluated: 2018-01-13. Review status: criteria provided, single submitter. Criteria: ICSL Variant Classification Criteria 13 December 2019. Collection method: clinical testing. Allele origin: germline.

Genome Diagnostics Laboratory, Amsterdam University Medical Center
Classification: Likely benign. Review status: no assertion criteria provided. Collection method: clinical testing. Allele origin: germline. Affected: yes. Study: VKGL Data-share Consensus. Not counted in ClinVar's aggregate classification.

Genome Diagnostics Laboratory, University Medical Center Utrecht
Classification: Likely benign. Review status: no assertion criteria provided. Collection method: clinical testing. Allele origin: germline. Affected: yes. Study: VKGL Data-share Consensus. Not counted in ClinVar's aggregate classification.

Joint Genome Diagnostic Labs from Nijmegen and Maastricht, Radboudumc and MUMC+
Classification: Likely benign. Review status: no assertion criteria provided. Collection method: clinical testing. Allele origin: germline. Affected: yes. Study: VKGL Data-share Consensus. Not counted in ClinVar's aggregate classification.